The following is an entry in ClinVar:

NM_000540.3(RYR1):c.3935C>T (p.Pro1312Leu)

Gene: RYR1 (ryanodine receptor 1; plus strand). Cytogenetic location: 19q13.2.
Variant type: single nucleotide variant.
Coding change: c.3935C>T on transcript NM_000540.3 (MANE Select); coding-DNA position 3935, C replaced by T.
Protein change: p.Pro1312Leu; replaces proline 1312 with leucine.
Molecular consequence: missense variant.
Genome position (GRCh38, 1-based): chr19:38,473,546, C>T. VCF-style: chr19-38473546-C-T. GRCh37 (hg19) VCF-style: chr19-38964186-C-T.
Other names: c.3935C>T, p.Pro1312Leu (NM_001042723.2); short protein forms P1312L.
Identifiers: ClinVar variation 3074577 (VCV003074577.2), dbSNP rs751612770, ClinGen allele CA065353.

ClinVar aggregate classification (germline): Uncertain significance. Review status: criteria provided, multiple submitters, no conflicts (2 of 4 stars). 2 submissions from 2 submitters: Uncertain significance (2). Last evaluated 2025-11-15.

Conditions:
RYR1-related disorder. Also called: RYR1-related condition; RYR1-related disorders. Identifiers: MedGen CN239331.
Malignant hyperthermia, susceptibility to, 1 (MHS1). Also called: Anesthesia related hyperthermia; Malignant hyperpyrexia; Fulminating hyperpyrexia; Pharmacogenic myopathy; RYR1-Related Malignant Hyperthermia Susceptibility; Malignant hyperthermia suceptibility 1. Identifiers: Orphanet 423, MedGen C2930980, MONDO:0007783, OMIM 145600.

Allele frequency attached by ClinVar (database versions not stated): gnomAD exomes below 0.00001; ExAC 0.00003.
gnomAD v4.1: 2 of 1,604,980 alleles (0.00012%); highest among the groups gnomAD compares: Non-Finnish European, 0.00017%; no homozygotes.

Submissions (2):

Labcorp Genetics (formerly Invitae), Labcorp
Classification: Uncertain significance for RYR1-related disorder. Last evaluated: 2025-11-15. Review status: criteria provided, single submitter. Criteria: Invitae Variant Classification Sherloc (09022015). Collection method: clinical testing. Allele origin: germline.
Comment: This sequence change replaces proline, which is neutral and non-polar, with leucine, which is neutral and non-polar, at codon 1312 of the RYR1 protein (p.Pro1312Leu). This variant is present in population databases (rs751612770, gnomAD 0.002%). This missense change has been observed in individual(s) with congenital myopathy (PMID: 35428369). ClinVar contains an entry for this variant (Variation ID: 3074577). Invitae Evidence Modeling of protein sequence and biophysical properties (such as structural, functional, and spatial information, amino acid conservation, physicochemical variation, residue mobility, and thermodynamic stability) indicates that this missense variant is not expected to disrupt RYR1 protein function with a negative predictive value of 95%. In summary, the available evidence is currently insufficient to determine the role of this variant in disease. Therefore, it has been classified as a Variant of Uncertain Significance.

All of Us Research Program, National Institutes of Health
Classification: Uncertain significance for Malignant hyperthermia, susceptibility to, 1. Last evaluated: 2023-11-20. Review status: criteria provided, single submitter. Criteria: ACMG Guidelines, 2015. Collection method: clinical testing. Allele origin: germline. Inheritance: Autosomal dominant inheritance. Observed: 1 variant allele, 1 heterozygote.
Comment: This missense variant replaces proline with leucine at codon 1312 of the RYR1 protein. Computational prediction suggests that this variant may not impact protein structure and function (internally defined REVEL score threshold <= 0.5, PMID: 27666373). To our knowledge, functional studies have not been reported for this variant. This variant has not been reported in individuals affected with malignant hyperthermia susceptibility and has been observed in an individual with congenital myopathy (PMID: 35428369). This variant has been identified in 2/223608 chromosomes in the general population by the Genome Aggregation Database (gnomAD). The available evidence is insufficient to determine the role of this variant in disease conclusively. Therefore, this variant is classified as a Variant of Uncertain Significance for autosomal dominant malignant hyperthermia susceptibility.

This study involves interpretation of variants in research participants for the purpose of population health screening. Participant phenotype was not available at the time of variant classification. Additional details can be found in publication PMID: 35346344, PMCID: PMC8962531

Literature cited by the submitters: PubMed 35428369 (cited by Labcorp Genetics (formerly Invitae), Labcorp and All of Us Research Program, National Institutes of Health).